The following is an entry in ClinVar:

NM_144997.7(FLCN):c.536G>A (p.Arg179Gln)

Gene: FLCN (folliculin; minus strand). Cytogenetic location: 17p11.2.
Variant type: single nucleotide variant.
Coding change: c.536G>A on transcript NM_144997.7 (MANE Select); coding-DNA position 536, G replaced by A.
Protein change: p.Arg179Gln; replaces arginine 179 with glutamine.
Molecular consequence: missense variant.
Genome position (GRCh38, 1-based): chr17:17,224,004, C>T on the plus strand (G>A on the coding strand, the complement: FLCN is on the minus strand). VCF-style: chr17-17224004-C-T. GRCh37 (hg19) VCF-style: chr17-17127318-C-T.
Other names: c.536G>A (LRG_325t1); c.590G>A, p.Arg197Gln (NM_001353229.2); c.536G>A, p.Arg179Gln (NM_001353230.2, NM_001353231.2, NM_144606.7); short protein forms R179Q, R197Q.
Identifiers: ClinVar variation 322068 (VCV000322068.14), dbSNP rs369906553, ClinGen allele CA10648705.
Genomic context (GRCh38, chr17:17,224,004, plus strand): 5'-TCATCGATGATTCCCCGGACCTTCCCCAGCAGGAAGGGCCAGGAGTTGATGAGGTAGATC[C>T]GGTCCATCATGATGGTGATGATGCTGTACCAGCGCTGGAAGCCCCTGGCCAGGCTGTCCT-3'
Protein context (NP_659434.2, residues 169-189): WYSIITIMMD[Arg179Gln]IYLINSWPFL

ClinVar aggregate classification (germline): Uncertain significance. Review status: criteria provided, multiple submitters, no conflicts (2 of 4 stars). 6 submissions from 5 submitters: Uncertain significance (6). Last evaluated 2025-11-02.

Conditions:
Birt-Hogg-Dube syndrome. Also called: Birt Hogg Dubé syndrome. Identifiers: Orphanet 122, MedGen C0346010, MONDO:0800444.
Familial spontaneous pneumothorax (PSP). Identifiers: Orphanet 2903, MedGen C1868193, MONDO:0008259, OMIM 173600.
Nonpapillary renal cell carcinoma. Identifiers: Orphanet 422526, MedGen CN074294, MONDO:0007763, OMIM 144700.
17p11.2 microduplication syndrome (PTLS). Also called: CHROMOSOME 17p11.2 DUPLICATION SYNDROME; Potocki-Lupski syndrome; Duplication 17p11.2 syndrome; Potocki-Lupski syndrome (dup(17)(p11.2p11.2)). Identifiers: Orphanet 1713, MedGen C2931246, MONDO:0012574, OMIM 610883.
Colorectal cancer. Also called: Colorectal cancer, somatic; Malignant Colorectal Neoplasm. Identifiers: MedGen C0346629, MONDO:0005575, OMIM 114500.
Hereditary cancer-predisposing syndrome. Also called: Neoplastic Syndromes, Hereditary; Hereditary neoplastic syndrome; Tumor predisposition; Hereditary Cancer Syndrome. Identifiers: Orphanet 140162, MedGen C0027672, MeSH D009386, MONDO:0015356.

Allele frequency attached by ClinVar (database versions not stated): gnomAD exomes below 0.00001; gnomAD 0.00003.
gnomAD v4.1: 5 of 1,613,574 alleles (0.00031%); highest among the groups gnomAD compares: African/African-American, 0.0027%; no homozygotes.

Submissions (6):

Labcorp Genetics (formerly Invitae), Labcorp
Classification: Uncertain significance for Birt-Hogg-Dube syndrome. Last evaluated: 2025-11-02. Review status: criteria provided, single submitter. Criteria: Invitae Variant Classification Sherloc (09022015). Collection method: clinical testing. Allele origin: germline.
Comment: This sequence change replaces arginine, which is basic and polar, with glutamine, which is neutral and polar, at codon 179 of the FLCN protein (p.Arg179Gln). This variant is present in population databases (no rsID available, gnomAD 0.004%). This variant has not been reported in the literature in individuals affected with FLCN-related conditions. ClinVar contains an entry for this variant (Variation ID: 322068). Invitae Evidence Modeling of protein sequence and biophysical properties (such as structural, functional, and spatial information, amino acid conservation, physicochemical variation, residue mobility, and thermodynamic stability) indicates that this missense variant is not expected to disrupt FLCN protein function with a negative predictive value of 80%. In summary, the available evidence is currently insufficient to determine the role of this variant in disease. Therefore, it has been classified as a Variant of Uncertain Significance.

Ambry Genetics
Classification: Uncertain significance for Hereditary cancer-predisposing syndrome. Last evaluated: 2024-08-01. Review status: criteria provided, single submitter. Criteria: Ambry Variant Classification Scheme 2023. Collection method: clinical testing. Allele origin: germline.
Comment: The p.R179Q variant (also known as c.536G>A), located in coding exon 3 of the FLCN gene, results from a G to A substitution at nucleotide position 536. The arginine at codon 179 is replaced by glutamine, an amino acid with highly similar properties. This amino acid position is highly conserved in available vertebrate species. In addition, this alteration is predicted to be deleterious by in silico analysis. Since supporting evidence is limited at this time, the clinical significance of this alteration remains unclear.

Fulgent Genetics
Classification: Uncertain significance for Colorectal cancer; Birt-Hogg-Dube syndrome 1; Nonpapillary renal cell carcinoma; Familial spontaneous pneumothorax; 17p11.2 microduplication syndrome. Last evaluated: 2022-01-11. Review status: criteria provided, single submitter. Criteria: ACMG Guidelines, 2015. Collection method: clinical testing. Allele origin: unknown.

GeneDx
Classification: Uncertain significance. Last evaluated: 2020-07-14. Review status: criteria provided, single submitter. Criteria: GeneDx Variant Classification Process June 2021. Collection method: clinical testing. Allele origin: germline. Affected: yes.
Comment: Not observed at a significant frequency in large population cohorts (Lek et al., 2016); In silico analysis supports that this missense variant does not alter protein structure/function; Has not been previously published as pathogenic or benign to our knowledge

Illumina Laboratory Services, Illumina
Classification: Uncertain significance for Familial spontaneous pneumothorax. Last evaluated: 2018-01-13. Review status: criteria provided, single submitter. Criteria: ICSL Variant Classification Criteria 13 December 2019. Collection method: clinical testing. Allele origin: germline.

Illumina Laboratory Services, Illumina
Classification: Uncertain significance for Birt-Hogg-Dube syndrome 1. Last evaluated: 2018-01-13. Review status: criteria provided, single submitter. Criteria: ICSL Variant Classification Criteria 13 December 2019. Collection method: clinical testing. Allele origin: germline.